The following is an entry in ClinVar:

NM_001267550.2(TTN):c.11255-17_11255-16del

Gene: TTN (titin; minus strand). Cytogenetic location: 2q31.2.
Variant type: Microsatellite.
Coding change: c.11255-17_11255-16del on transcript NM_001267550.2 (MANE Select); 17 bases into the intron before coding-DNA position 11255 through 16 bases into the intron before coding-DNA position 11255, 2 bases deleted (AT; older notation c.11255-17_11255-16delAT).
Molecular consequence: intron variant.
Genome position (GRCh38, 1-based): chr2:178,753,196-178,753,197, AT deleted on the plus strand (AT on the coding strand, the reverse complement: TTN is on the minus strand); deleting any 2 consecutive bases within chr2:178,753,196-178,753,200 gives the same sequence; the c. name uses the placement nearest the transcript's 3' end. VCF-style (leftmost placement, unchanged base first): chr2-178753195-CAT-C. GRCh37 (hg19) VCF-style: chr2-179617922-CAT-C.
Other names: c.10166-17_10166-16del (NM_003319.4); c.10742-17_10742-16del (NM_133437.4); c.10541-17_10541-16del (NM_133432.3); c.10304-17_10304-16del (NM_133378.4, NM_001256850.1, NM_133379.5); c.10304-17_10304-16delAT (NM_133378.4, NM_001256850.1).
Identifiers: ClinVar variation 202289 (VCV000202289.15), dbSNP rs72647895, ClinGen allele CA308985.

ClinVar aggregate classification (germline): Benign/Likely benign. Review status: criteria provided, multiple submitters, no conflicts (2 of 4 stars). 12 submissions from 9 submitters: Benign (8); Likely benign (2). 2 of the submissions do not count toward it. Last evaluated 2026-02-01.

Conditions:
Autosomal recessive limb-girdle muscular dystrophy type 2J (LGMDR10). Also called: MUSCULAR DYSTROPHY, LIMB-GIRDLE, AUTOSOMAL RECESSIVE 10; Limb-girdle muscular dystrophy, type 2J. Identifiers: Orphanet 140922, MedGen C1837342, MONDO:0012127, OMIM 608807.
Dilated cardiomyopathy 1G (CMD1G). Identifiers: Orphanet 154, MedGen C1858763, MONDO:0011400, OMIM 604145.
Early-onset myopathy with fatal cardiomyopathy (CMYO5). Also called: CONGENITAL MYOPATHY 5 WITH CARDIOMYOPATHY; Salih Myopathy. Identifiers: Orphanet 289377, MedGen C2673677, MONDO:0012714, OMIM 611705. Disease mechanism: loss of function.
Myopathy, myofibrillar, 9, with early respiratory failure (MFM9). Also called: EDSTROM MYOPATHY; Hereditary myopathy with early respiratory failure; MYOPATHY, PROXIMAL, WITH EARLY RESPIRATORY MUSCLE INVOLVEMENT; Myopathy, distal, with early respiratory failure, autosomal dominant. Identifiers: Orphanet 178464, Orphanet 34521, MedGen C1863599, MONDO:0011362, OMIM 603689.
Tibial muscular dystrophy (TMD). Also called: Tibial muscular dystrophy, tardive; Udd Distal Myopathy – Tibial Muscular Dystrophy; UDD MYOPATHY. Identifiers: Orphanet 609, MedGen C1838244, MONDO:0010870, OMIM 600334.
Hypertrophic cardiomyopathy 9. Also called: Familial hypertrophic cardiomyopathy 9. Identifiers: MedGen C1861065, MONDO:0013412, OMIM 613765.

Submissions (12):

Labcorp Genetics (formerly Invitae), Labcorp
Classification: Benign for Dilated cardiomyopathy 1G; Autosomal recessive limb-girdle muscular dystrophy type 2J. Last evaluated: 2026-02-01. Review status: criteria provided, single submitter. Criteria: Invitae Variant Classification Sherloc (09022015). Collection method: clinical testing. Allele origin: germline.

Blueprint Genetics
Classification: Likely benign. Last evaluated: 2024-11-13. Review status: criteria provided, single submitter. Criteria: ACMG Guidelines, 2015. Collection method: clinical testing. Allele origin: germline.

ARUP Laboratories, Molecular Genetics and Genomics, ARUP Laboratories
Classification: Benign. Last evaluated: 2023-10-10. Review status: criteria provided, single submitter. Criteria: ARUP Molecular Germline Variant Investigation Process 2024. Collection method: clinical testing. Allele origin: germline.

Fulgent Genetics
Classification: Likely benign for Tibial muscular dystrophy; Myopathy, myofibrillar, 9, with early respiratory failure; Dilated cardiomyopathy 1G; Autosomal recessive limb-girdle muscular dystrophy type 2J; Early-onset myopathy with fatal cardiomyopathy; Hypertrophic cardiomyopathy 9. Last evaluated: 2021-11-26. Review status: criteria provided, single submitter. Criteria: ACMG Guidelines, 2015. Collection method: clinical testing. Allele origin: unknown.

Genome-Nilou Lab
Classification: Benign for Autosomal recessive limb-girdle muscular dystrophy type 2J. Last evaluated: 2021-09-10. Review status: criteria provided, single submitter. Criteria: ACMG Guidelines, 2015. Collection method: clinical testing. Allele origin: germline. Affected: no.

Genome-Nilou Lab
Classification: Benign for Myopathy, myofibrillar, 9, with early respiratory failure. Last evaluated: 2021-09-10. Review status: criteria provided, single submitter. Criteria: ACMG Guidelines, 2015. Collection method: clinical testing. Allele origin: germline. Affected: no.

Genome-Nilou Lab
Classification: Benign for Early-onset myopathy with fatal cardiomyopathy. Last evaluated: 2021-09-10. Review status: criteria provided, single submitter. Criteria: ACMG Guidelines, 2015. Collection method: clinical testing. Allele origin: germline. Affected: no.

Genome-Nilou Lab
Classification: Benign for Tibial muscular dystrophy. Last evaluated: 2021-09-10. Review status: criteria provided, single submitter. Criteria: ACMG Guidelines, 2015. Collection method: clinical testing. Allele origin: germline. Affected: no.

Women's Health and Genetics/Laboratory Corporation of America, LabCorp
Classification: Benign. Last evaluated: 2020-08-10. Review status: criteria provided, single submitter. Criteria: LabCorp Variant Classification Summary - May 2015. Collection method: clinical testing. Allele origin: germline.
Comment: Variant summary: TTN c.10304-17_10304-16delAT alters a conserved nucleotide located close to a canonical splice site and therefore could affect mRNA splicing, leading to a significantly altered protein sequence. 4/4 computational tools predict no significant impact on normal splicing. However, these predictions have yet to be confirmed by functional studies. The variant allele was found at a frequency of 0.0006 in 243526 control chromosomes, predominantly at a frequency of 0.0088 within the African or African-American subpopulation in the gnomAD database. The observed variant frequency within African or African-American control individuals in the gnomAD database is approximately 22 fold of the estimated maximal expected allele frequency for a pathogenic variant in TTN causing Dilated Cardiomyopathy phenotype (0.00039), strongly suggesting that the variant is a benign polymorphism found primarily in populations of African or African-American origin. To our knowledge, no occurrence of c.10304-17_10304-16delAT in individuals affected with Dilated Cardiomyopathy and no experimental evidence demonstrating its impact on protein function have been reported. No clinical diagnostic laboratories have submitted clinical-significance assessments for this variant to ClinVar after 2014. Based on the evidence outlined above, the variant was classified as benign.

GeneDx
Classification: Benign. Last evaluated: 2012-11-28. Review status: criteria provided, single submitter. Criteria: GeneDx Variant Classification (06012015). Collection method: clinical testing. Allele origin: germline. Affected: yes.
Comment: The variant is found in DCM panel(s).

Clinical Genetics DNA and cytogenetics Diagnostics Lab, Erasmus MC, Erasmus Medical Center
Classification: Benign. Review status: no assertion criteria provided. Collection method: clinical testing. Allele origin: germline. Affected: yes. Study: VKGL Data-share Consensus. Not counted in ClinVar's aggregate classification.

Clinical Genetics, Academic Medical Center
Classification: Benign. Review status: no assertion criteria provided. Collection method: clinical testing. Allele origin: germline. Affected: yes. Study: VKGL Data-share Consensus. Not counted in ClinVar's aggregate classification.